The following is an entry in ClinVar:

ClinVar aggregate classification (germline): Uncertain significance (1 of 4 stars; one submission).

Allele frequency attached by ClinVar (database versions not stated): gnomAD 0.00001; TOPMed 0.00001.
gnomAD v4.1: 25 of 1,613,392 alleles (0.0015%); highest among the groups gnomAD compares: Non-Finnish European, 0.002%; no homozygotes.

Submission:

GeneDx
Classification: Uncertain significance. Last evaluated: 2019-10-14. Review status: criteria provided, single submitter. Criteria: GeneDx Variant Classification Process June 2021. Collection method: clinical testing. Allele origin: germline. Affected: yes.
Comment: Adequate data is not available in large population cohorts to assess the frequency of this variant in publicly available databases; however, this variant has not been detected at a significant frequency in presumably healthy individuals tested at GeneDx; In silico analysis, which includes protein predictors and evolutionary conservation, supports that this variant does not alter protein structure/function; Has not been previously published as pathogenic or benign to our knowledge

NM_017777.4(MKS1):c.1628G>A (p.Arg543Gln)

Gene: MKS1 (MKS transition zone complex subunit 1; minus strand). Cytogenetic location: 17q22.
Variant type: single nucleotide variant.
Coding change: c.1628G>A on transcript NM_017777.4 (MANE Select); coding-DNA position 1628, G replaced by A.
Protein change: p.Arg543Gln; replaces arginine 543 with glutamine.
Molecular consequence: missense variant. On other transcripts: synonymous variant (1), 3 prime UTR variant (1).
Genome position (GRCh38, 1-based): chr17:58,206,131, C>T on the plus strand (G>A on the coding strand, the complement: MKS1 is on the minus strand). VCF-style: chr17-58206131-C-T. GRCh37 (hg19) VCF-style: chr17-56283492-C-T.
Other names: c.1019G>A, p.Arg340Gln (NM_001321268.2); c.1545G>A, p.Pro515= (NM_001321269.2); c.*40G>A (NM_001330397.2); short protein forms R340Q, R543Q.
Identifiers: ClinVar variation 1309103 (VCV001309103.2), dbSNP rs1200480979, ClinGen allele CA400324259.